The following is an entry in ClinVar:

NM_005343.4(HRAS):c.468C>T (p.Phe156=)

Genes: HRAS (HRas proto-oncogene, GTPase; minus strand), LRRC56 (leucine rich repeat containing 56; plus strand). Cytogenetic location: 11p15.5.
Variant type: single nucleotide variant.
Coding change: c.468C>T on transcript NM_005343.4 (MANE Select); coding-DNA position 468, C replaced by T.
Protein change: p.Phe156=; no amino-acid change (phenylalanine 156 retained).
Molecular consequence: synonymous variant. On other transcripts: 3 prime UTR variant (1).
Genome position (GRCh38, 1-based): chr11:532,738, G>A on the plus strand (C>T on the coding strand, the complement: HRAS is on the minus strand). VCF-style: chr11-532738-G-A. GRCh37 (hg19) VCF-style: chr11-532738-G-A.
Other names: c.468C>T, p.Phe156= (NM_001130442.3); c.231C>T, p.Phe77= (NM_001318054.2); c.*37C>T (NM_176795.5).
Identifiers: ClinVar variation 227430 (VCV000227430.10), dbSNP rs770648642, ClinGen allele CA5779224.

ClinVar aggregate classification (germline): Likely benign. Review status: criteria provided, multiple submitters, no conflicts (2 of 4 stars). 3 submissions from 3 submitters: Likely benign (3). Last evaluated 2025-02-23.

Conditions:
Cardiovascular phenotype. Identifiers: MedGen CN230736.
Costello syndrome (CSTLO). Also called: FCS SYNDROME; FACIOCUTANEOSKELETAL SYNDROME; HRAS-Related Costello Syndrome. Identifiers: Orphanet 3071, MedGen C0587248, MONDO:0009026, OMIM 218040.

Allele frequency attached by ClinVar (database versions not stated): ExAC 0.00001; gnomAD 0.00001; gnomAD exomes 0.00001 and 0.00003.
gnomAD v4.1: 20 of 1,612,882 alleles (0.0012%); highest among the groups gnomAD compares: East Asian, 0.038%; no homozygotes.

Submissions (3):

Ambry Genetics
Classification: Likely benign for Cardiovascular phenotype. Last evaluated: 2025-02-23. Review status: criteria provided, single submitter. Criteria: Ambry Variant Classification Scheme 2023. Collection method: clinical testing. Allele origin: germline.

Labcorp Genetics (formerly Invitae), Labcorp
Classification: Likely benign for Costello syndrome. Last evaluated: 2023-06-13. Review status: criteria provided, single submitter. Criteria: Invitae Variant Classification Sherloc (09022015). Collection method: clinical testing. Allele origin: germline.

Laboratory for Molecular Medicine, Mass General Brigham Personalized Medicine
Classification: Likely benign. Last evaluated: 2015-01-12. Review status: criteria provided, single submitter. Criteria: LMM Criteria. Collection method: clinical testing. Allele origin: germline. Observed: 1 variant allele.
Comment: p.Phe156Phe in exon 5 of HRAS: This variant is not expected to have clinical sig nificance because it does not alter an amino acid residue and is not located wit hin the splice consensus sequence. It has been identified in 1/11546 of Latino chromosomes by the Exome Aggregation Consortium (ExAC).